The following is an entry in ClinVar:

NC_000019.9:g.(?_49472545)_(49496369_?)dup

Gene: GYS1 (glycogen synthase 1; minus strand). Cytogenetic location: 19q13.33.
Variant type: Duplication.
Identifiers: ClinVar variation 1511809 (VCV001511809.4).

ClinVar aggregate classification (germline): Uncertain significance (1 of 4 stars; one submission).

Conditions:
Glycogen storage disease due to muscle and heart glycogen synthase deficiency. Also called: GSD 0b; MUSCLE GLYCOGEN SYNTHASE DEFICIENCY. Identifiers: Orphanet 137625, MedGen C1969054, MONDO:0012693, OMIM 611556.

Submission:

Labcorp Genetics (formerly Invitae), Labcorp
Classification: Uncertain significance for Glycogen storage disease due to muscle and heart glycogen synthase deficiency. Last evaluated: 2022-06-20. Review status: criteria provided, single submitter. Criteria: Invitae Variant Classification Sherloc (09022015). Collection method: clinical testing. Allele origin: germline.
Comment: A copy number gain of the genomic region encompassing the full coding sequence of the GYS1 gene has been identified. The boundaries of this event are unknown as they extend beyond the assayed region for this gene and therefore may encompass additional genes. As the precise location of this event is unknown, it may be in tandem or it may be located elsewhere in the genome. This variant has not been reported in the literature in individuals affected with GYS1-related conditions. Experimental studies and prediction algorithms are not available or were not evaluated, and the functional significance of this variant is currently unknown. In summary, the available evidence is currently insufficient to determine the role of this variant in disease. Therefore, it has been classified as a Variant of Uncertain Significance.